The following is an entry in ClinVar:

NM_000179.3(MSH6):c.3345A>G (p.Ile1115Met)

Gene: MSH6 (mutS homolog 6; plus strand). Cytogenetic location: 2p16.3.
Variant type: single nucleotide variant.
Coding change: c.3345A>G on transcript NM_000179.3 (MANE Select); coding-DNA position 3345, A replaced by G.
Protein change: p.Ile1115Met; replaces isoleucine 1115 with methionine.
Molecular consequence: missense variant.
Genome position (GRCh38, 1-based): chr2:47,803,592, A>G. VCF-style: chr2-47803592-A-G. GRCh37 (hg19) VCF-style: chr2-48030731-A-G.
Other names: c.2955A>G, p.Ile985Met (NM_001281492.2); c.2439A>G, p.Ile813Met (NM_001281493.2, NM_001281494.2); short protein forms I1115M, I813M, I985M.
Identifiers: ClinVar variation 863859 (VCV000863859.6), dbSNP rs1669762062, ClinGen allele CA346758746.

ClinVar aggregate classification (germline): Uncertain significance. Review status: criteria provided, multiple submitters, no conflicts (2 of 4 stars). 2 submissions from 2 submitters: Uncertain significance (2). Last evaluated 2025-07-31.

Conditions:
Hereditary nonpolyposis colorectal neoplasms. Identifiers: MedGen C0009405, MeSH D003123.
Hereditary cancer-predisposing syndrome. Also called: Hereditary Cancer Syndrome; Tumor predisposition; Neoplastic Syndromes, Hereditary; Hereditary neoplastic syndrome. Identifiers: Orphanet 140162, MedGen C0027672, MeSH D009386, MONDO:0015356.

Submissions (2):

Labcorp Genetics (formerly Invitae), Labcorp
Classification: Uncertain significance for Hereditary nonpolyposis colorectal neoplasms. Last evaluated: 2025-07-31. Review status: criteria provided, single submitter. Criteria: Invitae Variant Classification Sherloc (09022015). Collection method: clinical testing. Allele origin: germline.
Comment: This sequence change replaces isoleucine, which is neutral and non-polar, with methionine, which is neutral and non-polar, at codon 1115 of the MSH6 protein (p.Ile1115Met). This variant is not present in population databases (gnomAD no frequency). This variant has not been reported in the literature in individuals affected with MSH6-related conditions. ClinVar contains an entry for this variant (Variation ID: 863859). Invitae Evidence Modeling of protein sequence and biophysical properties (such as structural, functional, and spatial information, amino acid conservation, physicochemical variation, residue mobility, and thermodynamic stability) indicates that this missense variant is not expected to disrupt MSH6 protein function with a negative predictive value of 95%. In summary, the available evidence is currently insufficient to determine the role of this variant in disease. Therefore, it has been classified as a Variant of Uncertain Significance.

Ambry Genetics
Classification: Uncertain significance for Hereditary cancer-predisposing syndrome. Last evaluated: 2024-12-12. Review status: criteria provided, single submitter. Criteria: Ambry Variant Classification Scheme 2023. Collection method: clinical testing. Allele origin: germline.